The following is an entry in ClinVar:

NM_005045.4(RELN):c.9499A>T (p.Ile3167Phe)

Genes: RELN (reelin; minus strand), SLC26A5-AS1 (SLC26A5 antisense RNA 1; plus strand), LOC126860130 (BRD4-independent group 4 enhancer GRCh37_chr7:103130126-103131325; plus strand). Cytogenetic location: 7q22.1.
Variant type: single nucleotide variant.
Coding change: c.9499A>T on transcript NM_005045.4 (MANE Select); coding-DNA position 9499, A replaced by T.
Protein change: p.Ile3167Phe; replaces isoleucine 3167 with phenylalanine.
Molecular consequence: missense variant.
Genome position (GRCh38, 1-based): chr7:103,490,774, T>A on the plus strand (A>T on the coding strand, the complement: RELN is on the minus strand). VCF-style: chr7-103490774-T-A. GRCh37 (hg19) VCF-style: chr7-103131221-T-A.
Other names: c.9499A>T, p.Ile3167Phe (NM_173054.3); short protein forms I3167F.
Identifiers: ClinVar variation 1481218 (VCV001481218.8), dbSNP rs2117002216, ClinGen allele CA368745542.
Genomic context (GRCh38, chr7:103,490,774, plus strand): 5'-TTGAGCTGTTGACAGAGTTGTAGATGGTGGCTTCATGGAACTGGAAAGGGGAGCAGCCAA[T>A]GCTGTTAGAAGAGGAAGGAAGGCACTGGGTCTGTACGAGCTGCCAGGAATCCGATCTGCA-3'
Protein context (NP_005036.2, residues 3157-3177): TQCLPSSSNS[Ile3167Phe]GCSPFQFHEA

ClinVar aggregate classification (germline): Uncertain significance (1 of 4 stars; one submission).

Conditions:
Norman-Roberts syndrome (LIS2). Also called: Lissencephaly 2 (Norman-Roberts type). Identifiers: Orphanet 89844, MedGen C0796089, MONDO:0009760, OMIM 257320.
Familial temporal lobe epilepsy 7. Identifiers: Orphanet 101046, MedGen C4225327, MONDO:0014639, OMIM 616436.

Submission:

Labcorp Genetics (formerly Invitae), Labcorp
Classification: Uncertain significance for Familial temporal lobe epilepsy 7; Norman-Roberts syndrome. Last evaluated: 2021-02-25. Review status: criteria provided, single submitter. Criteria: Invitae Variant Classification Sherloc (09022015). Collection method: clinical testing. Allele origin: germline.
Comment: This variant is not present in population databases (ExAC no frequency). In summary, the available evidence is currently insufficient to determine the role of this variant in disease. Therefore, it has been classified as a Variant of Uncertain Significance. Algorithms developed to predict the effect of missense changes on protein structure and function are either unavailable or do not agree on the potential impact of this missense change (SIFT: "Deleterious"; PolyPhen-2: "Benign"; Align-GVGD: "Class C0"). This variant has not been reported in the literature in individuals with RELN-related conditions. This sequence change replaces isoleucine with phenylalanine at codon 3167 of the RELN protein (p.Ile3167Phe). The isoleucine residue is moderately conserved and there is a small physicochemical difference between isoleucine and phenylalanine.